The following is an entry in ClinVar:

NM_006440.5(TXNRD2):c.1037G>A (p.Arg346Gln)

Gene: TXNRD2 (thioredoxin reductase 2; minus strand). Cytogenetic location: 22q11.21.
Variant type: single nucleotide variant.
Coding change: c.1037G>A on transcript NM_006440.5 (MANE Select); coding-DNA position 1037, G replaced by A.
Protein change: p.Arg346Gln; replaces arginine 346 with glutamine.
Molecular consequence: missense variant. On other transcripts: non-coding transcript variant (1).
Genome position (GRCh38, 1-based): chr22:19,883,374, C>T on the plus strand (G>A on the coding strand, the complement: TXNRD2 is on the minus strand). VCF-style: chr22-19883374-C-T. GRCh37 (hg19) VCF-style: chr22-19870897-C-T.
Other names: c.1034G>A, p.Arg345Gln (NM_001352300.2); c.947G>A, p.Arg316Gln (NM_001352301.2); c.749G>A, p.Arg250Gln (NM_001352302.2); c.1037G>A (NM_006440.3); short protein forms R345Q, R316Q, R250Q, R346Q.
Identifiers: ClinVar variation 647175 (VCV000647175.13), dbSNP rs201349663, ClinGen allele CA10103856.

ClinVar aggregate classification (germline): Conflicting classifications of pathogenicity. Review status: criteria provided, conflicting classifications (1 of 4 stars). 3 submissions from 3 submitters: Uncertain significance (2); Likely benign (1). Last evaluated 2025-10-28.

Conditions:
Primary dilated cardiomyopathy (DCM). Also called: Dilated Cardiomyopathy. Identifiers: Orphanet 217604, MedGen C0007193, MeSH D002311, MONDO:0005021, HP:0001644. Inheritance: Various modes of inheritance.
Glucocorticoid deficiency 5. Identifiers: MedGen C4540522, MONDO:0040502, OMIM 617825.
Cardiovascular phenotype. Identifiers: MedGen CN230736.

Allele frequency attached by ClinVar (database versions not stated): gnomAD 0.00003 and 0.00005; gnomAD exomes 0.00005 and 0.00011; TOPMed 0.00005; ExAC 0.00008; 1000 Genomes Project 30x 0.00016; 1000 Genomes Project 0.00020.
gnomAD v4.1: 75 of 1,614,040 alleles (0.0046%); highest among the groups gnomAD compares: East Asian, 0.027%; no homozygotes.

Submissions (3):

Labcorp Genetics (formerly Invitae), Labcorp
Classification: Uncertain significance for Primary dilated cardiomyopathy. Last evaluated: 2025-10-28. Review status: criteria provided, single submitter. Criteria: Invitae Variant Classification Sherloc (09022015). Collection method: clinical testing. Allele origin: germline.
Comment: This sequence change replaces arginine, which is basic and polar, with glutamine, which is neutral and polar, at codon 346 of the TXNRD2 protein (p.Arg346Gln). This variant is present in population databases (rs201349663, gnomAD 0.06%). This missense change has been observed in individual(s) with dilated cardiomyopathy (PMID: 31983221). ClinVar contains an entry for this variant (Variation ID: 647175). Invitae Evidence Modeling of protein sequence and biophysical properties (such as structural, functional, and spatial information, amino acid conservation, physicochemical variation, residue mobility, and thermodynamic stability) indicates that this missense variant is not expected to disrupt TXNRD2 protein function with a negative predictive value of 80%. In summary, the available evidence is currently insufficient to determine the role of this variant in disease. Therefore, it has been classified as a Variant of Uncertain Significance.

Ambry Genetics
Classification: Likely benign for Cardiovascular phenotype. Last evaluated: 2023-11-16. Review status: criteria provided, single submitter. Criteria: Ambry Variant Classification Scheme 2023. Collection method: clinical testing. Allele origin: germline.

Fulgent Genetics
Classification: Uncertain significance for Glucocorticoid deficiency 5. Last evaluated: 2021-10-07. Review status: criteria provided, single submitter. Criteria: ACMG Guidelines, 2015. Collection method: clinical testing. Allele origin: unknown.

Literature cited by the submitters: PubMed 31983221 (cited by Labcorp Genetics (formerly Invitae), Labcorp).